The following is an entry in ClinVar:

ClinVar aggregate classification (germline): Uncertain significance (1 of 4 stars; one submission).

Conditions:
Nephronophthisis. Also called: Juvenile Nephronophthisis. Identifiers: Orphanet 655, MedGen C0687120, MONDO:0019005, HP:0000090.
Meckel-Gruber syndrome. Also called: DYSENCEPHALIA SPLANCHNOCYSTICA; GRUBER SYNDROME; Dysencephalia splachnocystica. Identifiers: Orphanet 564, MedGen C0265215, MONDO:0018921.
Joubert syndrome. Also called: CEREBELLOPARENCHYMAL DISORDER IV; JOUBERT-BOLTSHAUSER SYNDROME; Familial aplasia of the vermis. Identifiers: Orphanet 475, MedGen C5979921, MONDO:0018772.

Allele frequency attached by ClinVar (database versions not stated): gnomAD exomes below 0.00001; gnomAD 0.00001; TOPMed 0.00001.
gnomAD v4.1: 4 of 1,613,540 alleles (0.00025%); highest among the groups gnomAD compares: Non-Finnish European, 0.00034%; no homozygotes.

Submission:

Labcorp Genetics (formerly Invitae), Labcorp
Classification: Uncertain significance for Joubert syndrome; Meckel-Gruber syndrome; Nephronophthisis. Last evaluated: 2023-12-11. Review status: criteria provided, single submitter. Criteria: Invitae Variant Classification Sherloc (09022015). Collection method: clinical testing. Allele origin: germline.
Comment: This sequence change replaces asparagine, which is neutral and polar, with serine, which is neutral and polar, at codon 145 of the CEP290 protein (p.Asn145Ser). This variant is not present in population databases (gnomAD no frequency). This variant has not been reported in the literature in individuals affected with CEP290-related conditions. ClinVar contains an entry for this variant (Variation ID: 1902636). Advanced modeling of protein sequence and biophysical properties (such as structural, functional, and spatial information, amino acid conservation, physicochemical variation, residue mobility, and thermodynamic stability) performed at Invitae indicates that this missense variant is not expected to disrupt CEP290 protein function with a negative predictive value of 80%. Algorithms developed to predict the effect of sequence changes on RNA splicing suggest that this variant may create or strengthen a splice site. In summary, the available evidence is currently insufficient to determine the role of this variant in disease. Therefore, it has been classified as a Variant of Uncertain Significance.

NM_025114.4(CEP290):c.434A>G (p.Asn145Ser)

Gene: CEP290 (centrosomal protein 290; minus strand). Cytogenetic location: 12q21.32.
Variant type: single nucleotide variant.
Coding change: c.434A>G on transcript NM_025114.4 (MANE Select); coding-DNA position 434, A replaced by G.
Protein change: p.Asn145Ser; replaces asparagine 145 with serine.
Molecular consequence: missense variant.
Genome position (GRCh38, 1-based): chr12:88,136,650, T>C on the plus strand (A>G on the coding strand, the complement: CEP290 is on the minus strand). VCF-style: chr12-88136650-T-C. GRCh37 (hg19) VCF-style: chr12-88530427-T-C.
Other names: short protein forms N145S.
Identifiers: ClinVar variation 1902636 (VCV001902636.5), dbSNP rs1261226265, ClinGen allele CA385987097.